The following is an entry in ClinVar:

NM_020822.3(KCNT1):c.1656G>A (p.Met552Ile)

Gene: KCNT1 (potassium sodium-activated channel subfamily T member 1; plus strand). Cytogenetic location: 9q34.3.
Variant type: single nucleotide variant.
Coding change: c.1656G>A on transcript NM_020822.3 (MANE Select); coding-DNA position 1656, G replaced by A.
Protein change: p.Met552Ile; replaces methionine 552 with isoleucine.
Molecular consequence: missense variant.
Genome position (GRCh38, 1-based): chr9:135,770,334, G>A. VCF-style: chr9-135770334-G-A. GRCh37 (hg19) VCF-style: chr9-138662180-G-A.
Other names: c.1521G>A, p.Met507Ile (NM_001272003.2); short protein forms M507I, M552I.
Identifiers: ClinVar variation 3751271 (VCV003751271.2).

ClinVar aggregate classification (germline): Uncertain significance (1 of 4 stars; one submission).

Conditions:
Autosomal dominant nocturnal frontal lobe epilepsy 5. Also called: KCNT1-Related Epilepsy; CILIARY DYSKINESIA, PRIMARY, 28, WITHOUT SITUS INVERSUS; CILIARY DYSKINESIA, PRIMARY, 28, WITH SITUS INVERSUS; Epilepsy, nocturnal frontal lobe, 5. Identifiers: Orphanet 98784, MedGen C3554306, MONDO:0014002, OMIM 615005.
Developmental and epileptic encephalopathy, 14 (DEE14). Also called: Early infantile epileptic encephalopathy 14. Identifiers: Orphanet 293181, MedGen C3554195, MONDO:0013989, OMIM 614959.

gnomAD v4.1: 3 of 1,611,906 alleles (0.00019%); highest among the groups gnomAD compares: South Asian, 0.0011%; no homozygotes.

Submission:

Labcorp Genetics (formerly Invitae), Labcorp
Classification: Uncertain significance for Autosomal dominant nocturnal frontal lobe epilepsy 5; Developmental and epileptic encephalopathy, 14. Last evaluated: 2025-03-03. Review status: criteria provided, single submitter. Criteria: Invitae Variant Classification Sherloc (09022015). Collection method: clinical testing. Allele origin: germline.
Comment: This sequence change replaces methionine, which is neutral and non-polar, with isoleucine, which is neutral and non-polar, at codon 552 of the KCNT1 protein (p.Met552Ile). This variant is not present in population databases (gnomAD no frequency). This variant has not been reported in the literature in individuals affected with KCNT1-related conditions. Invitae Evidence Modeling of protein sequence and biophysical properties (such as structural, functional, and spatial information, amino acid conservation, physicochemical variation, residue mobility, and thermodynamic stability) indicates that this missense variant is not expected to disrupt KCNT1 protein function with a negative predictive value of 80%. In summary, the available evidence is currently insufficient to determine the role of this variant in disease. Therefore, it has been classified as a Variant of Uncertain Significance.